The following is an entry in ClinVar:

NM_032242.4(PLXNA1):c.786G>A (p.Gln262=)

Gene: PLXNA1 (plexin A1; plus strand). Cytogenetic location: 3q21.3.
Variant type: single nucleotide variant.
Coding change: c.786G>A on transcript NM_032242.4 (MANE Select); coding-DNA position 786, G replaced by A.
Protein change: p.Gln262=; no amino-acid change (glutamine 262 retained).
Molecular consequence: synonymous variant.
Genome position (GRCh38, 1-based): chr3:126,989,379, G>A. VCF-style: chr3-126989379-G-A. GRCh37 (hg19) VCF-style: chr3-126708222-G-A.
Other names: c.786G>A (NM_032242.3).
Identifiers: ClinVar variation 2888590 (VCV002888590.5), dbSNP rs781531297, ClinGen allele CA2593044.
Genomic context (GRCh38, chr3:126,989,379, plus strand): 5'-TGACATCTACTATGTGTACAGCTTCCGCAGCGAGCAGTTTGTCTACTACCTCACGCTGCA[G>A]CTAGACACACAGCTGACCTCGCCTGATGCCGCCGGCGAGCACTTCTTCACGTCCAAGATC-3'
Protein context (NP_115618.3, residues 252-272): SEQFVYYLTL[Gln262=]LDTQLTSPDA

ClinVar aggregate classification (germline): Likely benign. Review status: criteria provided, single submitter (1 of 4 stars). 2 submissions from 2 submitters: Likely benign (1). 1 of the submissions does not count toward it. Last evaluated 2024-08-30.

Conditions:
PLXNA1-related disorder. Also called: PLXNA1-related condition.

gnomAD v4.1: 24 of 1,613,496 alleles (0.0015%); highest among the groups gnomAD compares: African/African-American, 0.024%; no homozygotes.

Submissions (2):

Labcorp Genetics (formerly Invitae), Labcorp
Classification: Likely benign. Last evaluated: 2024-08-30. Review status: criteria provided, single submitter. Criteria: Invitae Variant Classification Sherloc (09022015). Collection method: clinical testing. Allele origin: germline.

PreventionGenetics, part of Exact Sciences
Classification: Likely benign for PLXNA1-related condition. Last evaluated: 2022-04-15. Review status: no assertion criteria provided. Collection method: clinical testing. Allele origin: germline. Not counted in ClinVar's aggregate classification.
Comment: This variant is classified as likely benign based on ACMG/AMP sequence variant interpretation guidelines (Richards et al. 2015 PMID: 25741868, with internal and published modifications).